The following is an entry in ClinVar:

ClinVar aggregate classification (germline): Uncertain significance. Review status: criteria provided, multiple submitters, no conflicts (2 of 4 stars). 3 submissions from 3 submitters: Uncertain significance (3). Last evaluated 2024-09-08.

Conditions:
Inborn genetic diseases. Identifiers: MedGen C0950123, MeSH D030342.
Muscular dystrophy-dystroglycanopathy (congenital with brain and eye anomalies), type a, 8 (MDDGA8). Also called: WALKER-WARBURG SYNDROME OR MUSCLE-EYE-BRAIN DISEASE, GTDC2-RELATED. Identifiers: Orphanet 899, MedGen C3553813, MONDO:0013904, OMIM 614830.

Allele frequency attached by ClinVar (database versions not stated): ExAC 0.00002; gnomAD 0.00004; gnomAD exomes 0.00004; TOPMed 0.00005.
gnomAD v4.1: 68 of 1,613,886 alleles (0.0042%); highest among the groups gnomAD compares: Non-Finnish European, 0.0053%; no homozygotes.

Submissions (3):

Ambry Genetics
Classification: Uncertain significance for Inborn genetic diseases. Last evaluated: 2024-09-08. Review status: criteria provided, single submitter. Criteria: Ambry Variant Classification Scheme 2023. Collection method: clinical testing. Allele origin: germline.

Revvity Omics, Revvity
Classification: Uncertain significance. Last evaluated: 2024-09-02. Review status: criteria provided, single submitter. Criteria: ACMG Guidelines, 2015. Collection method: clinical testing. Allele origin: germline.

Labcorp Genetics (formerly Invitae), Labcorp
Classification: Uncertain significance for Muscular dystrophy-dystroglycanopathy (congenital with brain and eye anomalies), type a, 8. Last evaluated: 2022-08-15. Review status: criteria provided, single submitter. Criteria: Invitae Variant Classification Sherloc (09022015). Collection method: clinical testing. Allele origin: germline.
Comment: This sequence change replaces threonine, which is neutral and polar, with methionine, which is neutral and non-polar, at codon 73 of the POMGNT2 protein (p.Thr73Met). This variant is present in population databases (rs765805874, gnomAD 0.009%). This variant has not been reported in the literature in individuals affected with POMGNT2-related conditions. Algorithms developed to predict the effect of missense changes on protein structure and function (SIFT, PolyPhen-2, Align-GVGD) all suggest that this variant is likely to be tolerated. In summary, the available evidence is currently insufficient to determine the role of this variant in disease. Therefore, it has been classified as a Variant of Uncertain Significance.

NM_032806.6(POMGNT2):c.218C>T (p.Thr73Met)

Gene: POMGNT2 (protein O-linked mannose N-acetylglucosaminyltransferase 2 (beta 1,4-); minus strand). Cytogenetic location: 3p22.1.
Variant type: single nucleotide variant.
Coding change: c.218C>T on transcript NM_032806.6 (MANE Select); coding-DNA position 218, C replaced by T.
Protein change: p.Thr73Met; replaces threonine 73 with methionine.
Molecular consequence: missense variant.
Genome position (GRCh38, 1-based): chr3:43,081,214, G>A on the plus strand (C>T on the coding strand, the complement: POMGNT2 is on the minus strand). VCF-style: chr3-43081214-G-A. GRCh37 (hg19) VCF-style: chr3-43122706-G-A.
Other names: c.218C>T (NM_032806.4); short protein forms T73M.
Identifiers: ClinVar variation 2031054 (VCV002031054.3), dbSNP rs765805874, ClinGen allele CA2340130.